The following is an entry in ClinVar:

ClinVar aggregate classification (germline): Uncertain significance (1 of 4 stars; one submission).

Conditions:
Jeune thoracic dystrophy. Also called: Jeune syndrome; Short-rib thoracic dysplasia; Infantile thoracic dystrophy; Thoracic pelvic phalangeal dystrophy; Jeune's syndrome; Chondroectodermal dysplasia-like syndrome. Identifiers: Orphanet 474, MedGen C0265275, MONDO:0018770.

Submission:

Labcorp Genetics (formerly Invitae), Labcorp
Classification: Uncertain significance for Jeune thoracic dystrophy. Last evaluated: 2025-07-30. Review status: criteria provided, single submitter. Criteria: Invitae Variant Classification Sherloc (09022015). Collection method: clinical testing. Allele origin: germline.
Comment: This sequence change replaces histidine, which is basic and polar, with tyrosine, which is neutral and polar, at codon 3581 of the DYNC2H1 protein (p.His3581Tyr). This variant is not present in population databases (gnomAD no frequency). This missense change has been observed in individual(s) with short-rib polydactyly syndrome (PMID: 34529350). ClinVar contains an entry for this variant (Variation ID: 3634281). Invitae Evidence Modeling of protein sequence and biophysical properties (such as structural, functional, and spatial information, amino acid conservation, physicochemical variation, residue mobility, and thermodynamic stability) indicates that this missense variant is expected to disrupt DYNC2H1 protein function with a positive predictive value of 95%. In summary, the available evidence is currently insufficient to determine the role of this variant in disease. Therefore, it has been classified as a Variant of Uncertain Significance.

Literature cited by the submitters: PubMed 34529350.

NM_001377.3(DYNC2H1):c.10720C>T (p.His3574Tyr)

Gene: DYNC2H1 (dynein cytoplasmic 2 heavy chain 1; plus strand). Cytogenetic location: 11q22.3.
Variant type: single nucleotide variant.
Coding change: c.10720C>T on transcript NM_001377.3 (MANE Select); coding-DNA position 10720, C replaced by T.
Protein change: p.His3574Tyr; replaces histidine 3574 with tyrosine.
Molecular consequence: missense variant.
Genome position (GRCh38, 1-based): chr11:103,280,372, C>T. VCF-style: chr11-103280372-C-T. GRCh37 (hg19) VCF-style: chr11-103151101-C-T.
Other names: c.10741C>T, p.His3581Tyr (NM_001080463.2); short protein forms H3574Y, H3581Y.
Identifiers: ClinVar variation 3634281 (VCV003634281.2).